The following is an entry in ClinVar:

NM_000330.4(RS1):c.596T>C (p.Ile199Thr)

Genes: CDKL5 (cyclin dependent kinase like 5; plus strand), RS1 (retinoschisin 1; minus strand). Cytogenetic location: Xp22.13.
Variant type: single nucleotide variant.
Coding change: c.596T>C on transcript NM_000330.4 (MANE Select); coding-DNA position 596, T replaced by C.
Protein change: p.Ile199Thr; replaces isoleucine 199 with threonine.
Molecular consequence: missense variant. On other transcripts: intron variant (2).
Genome position (GRCh38, 1-based): chrX:18,642,083, A>G on the plus strand (T>C on the coding strand, the complement: RS1 is on the minus strand). VCF-style: chrX-18642083-A-G. GRCh37 (hg19) VCF-style: chrX-18660203-A-G.
Other names: c.2714-3924A>G (NM_001037343.2, NM_003159.3); short protein forms I199T.
Identifiers: ClinVar variation 98999 (VCV000098999.11), dbSNP rs281865356, ClinGen allele CA226804.
Genomic context (GRCh38, chrX:18,642,083, plus strand): 5'-CACTCCAGCAGCTCCATCCGGATGGCAATGCGGACGTGCCAGCCCAGCGGGATGAGGCGG[A>G]TGAAGCGGGAGATGATGGGGGGCCGCAGCAGGTTCTGAACCGTGGAGGTGCGGTCCGAGT-3'
Protein context (NP_000321.1, residues 189-209): LLRPPIISRF[Ile199Thr]RLIPLGWHVR

ClinVar aggregate classification (germline): Pathogenic. Review status: criteria provided, multiple submitters, no conflicts (2 of 4 stars). 4 submissions from 4 submitters: Pathogenic (3). 1 of the submissions does not count toward it. Last evaluated 2026-06-17.

Conditions:
RS1-related disorder. Also called: RS1-related condition.

Allele frequency attached by ClinVar (database versions not stated): gnomAD exomes below 0.00001.
gnomAD v4.1: 1 of 1,211,669 alleles (0.000083%); highest among the groups gnomAD compares: Non-Finnish European, 0.00011%; no homozygotes.

Submissions (4):

PreventionGenetics, part of Exact Sciences
Classification: Pathogenic for RS1-related condition. Last evaluated: 2026-06-17. Review status: criteria provided, single submitter. Criteria: ACMG Guidelines, 2015. Collection method: clinical testing. Allele origin: germline.
Comment: The RS1 c.596T>C variant is predicted to result in the amino acid substitution p.Ile199Thr. This variant has been reported in individuals with retinoschisis (The Retinoschisis Consortium. 1998. PubMed ID: 9618178; Table S2, Bender et al. 2022. PubMed ID: 35456481; Table S1, Lin et al. 2024. PubMed ID: 38219857; Georgiou et al. 2022. PubMed ID: 34822951). This variant has been detected in at least three individuals undergoing testing for retinoschisis (PreventionGenetics internal data). This variant is located in a mutation hotspot (Table S4, Bender et al. 2022. PubMed ID: 35456481). This variant is absent in a large population database (gnomAD), indicating this variant is rare. This variant is interpreted as pathogenic.

Labcorp Genetics (formerly Invitae), Labcorp
Classification: Pathogenic. Last evaluated: 2022-07-26. Review status: criteria provided, single submitter. Criteria: Invitae Variant Classification Sherloc (09022015). Collection method: clinical testing. Allele origin: germline.
Comment: For these reasons, this variant has been classified as Pathogenic. Advanced modeling of protein sequence and biophysical properties (such as structural, functional, and spatial information, amino acid conservation, physicochemical variation, residue mobility, and thermodynamic stability) performed at Invitae indicates that this missense variant is expected to disrupt RS1 protein function. ClinVar contains an entry for this variant (Variation ID: 98999). This missense change has been observed in individual(s) with X-linked retinoschisis (PMID: 9618178; Invitae). This variant is not present in population databases (gnomAD no frequency). This sequence change replaces isoleucine, which is neutral and non-polar, with threonine, which is neutral and polar, at codon 199 of the RS1 protein (p.Ile199Thr).

Blueprint Genetics
Classification: Pathogenic for RS1-related disorders. Last evaluated: 2021-07-06. Review status: criteria provided, single submitter. Criteria: ACMG Guidelines, 2015. Collection method: clinical testing. Allele origin: germline. Affected: yes. Observed: 3 variant alleles.

Retina International
No classification provided. Review status: no classification provided. Collection method: not provided. Allele origin: unknown. Not counted in ClinVar's aggregate classification.

Literature cited by the submitters: PubMed 9618178 (cited by Labcorp Genetics (formerly Invitae), Labcorp).